The following is an entry in ClinVar:

ClinVar aggregate classification (germline): Uncertain significance. Review status: criteria provided, multiple submitters, no conflicts (2 of 4 stars). 2 submissions from 2 submitters: Uncertain significance (2). Last evaluated 2026-08-17.

Conditions:
POMC-related disorder. Also called: POMC-related disorders; POMC-related condition.

Allele frequency attached by ClinVar (database versions not stated): ExAC 0.00006; gnomAD exomes 0.00009; gnomAD 0.00044 and 0.00048; 1000 Genomes Project 0.00080; 1000 Genomes Project 30x 0.00094.
gnomAD v4.1: 108 of 1,553,332 alleles (0.007%); highest among the groups gnomAD compares: African/African-American, 0.13%; no homozygotes.

Submissions (2):

PreventionGenetics, part of Exact Sciences
Classification: Uncertain significance for POMC-related condition. Last evaluated: 2026-08-17. Review status: criteria provided, single submitter. Criteria: ACMG Guidelines, 2015. Collection method: clinical testing. Allele origin: germline.
Comment: The POMC c.255C>G variant is predicted to result in the amino acid substitution p.Asp85Glu. This variant was observed in a cohort of individuals with obesity, and in vitro functional studies showed this variant did not reduce protein function and could cause increased function (Supplemental Data Set 3, Shah et al. 2023. PubMed ID: 36864747). This variant is reported in 0.13% of alleles in individuals of African descent in gnomAD, which may be too common to be a primary cause of disease. Although we suspect that this variant may be benign, at this time, the clinical significance of this variant is uncertain due to the absence of conclusive functional and genetic evidence.

Labcorp Genetics (formerly Invitae), Labcorp
Classification: Uncertain significance. Last evaluated: 2022-05-28. Review status: criteria provided, single submitter. Criteria: Invitae Variant Classification Sherloc (09022015). Collection method: clinical testing. Allele origin: germline.
Comment: This sequence change replaces aspartic acid, which is acidic and polar, with glutamic acid, which is acidic and polar, at codon 85 of the POMC protein (p.Asp85Glu). This variant is present in population databases (rs202042867, gnomAD 0.1%). This variant has not been reported in the literature in individuals affected with POMC-related conditions. ClinVar contains an entry for this variant (Variation ID: 1426011). Algorithms developed to predict the effect of missense changes on protein structure and function output the following: SIFT: "Not Available"; PolyPhen-2: "Benign"; Align-GVGD: "Not Available". The glutamic acid amino acid residue is found in multiple mammalian species, which suggests that this missense change does not adversely affect protein function. In summary, the available evidence is currently insufficient to determine the role of this variant in disease. Therefore, it has been classified as a Variant of Uncertain Significance.

NM_000939.4(POMC):c.255C>G (p.Asp85Glu)

Gene: POMC (proopiomelanocortin; minus strand). Cytogenetic location: 2p23.3.
Variant type: single nucleotide variant.
Coding change: c.255C>G on transcript NM_000939.4 (MANE Select); coding-DNA position 255, C replaced by G.
Protein change: p.Asp85Glu; replaces aspartic acid 85 with glutamic acid.
Molecular consequence: missense variant.
Genome position (GRCh38, 1-based): chr2:25,161,630, G>C on the plus strand (C>G on the coding strand, the complement: POMC is on the minus strand). VCF-style: chr2-25161630-G-C. GRCh37 (hg19) VCF-style: chr2-25384499-G-C.
Other names: c.255C>G, p.Asp85Glu (NM_001035256.3, NM_001319204.2, NM_001319205.2); c.255C>G (NM_000939.3); short protein forms D85E.
Identifiers: ClinVar variation 1426011 (VCV001426011.8), dbSNP rs202042867, ClinGen allele CA1555346.